The following is an entry in ClinVar:

ClinVar aggregate classification (germline): Uncertain significance (1 of 4 stars; one submission).

gnomAD v4.1: 2 of 1,613,042 alleles (0.00012%); highest among the groups gnomAD compares: Non-Finnish European, 0.00017%; no homozygotes.

Submission:

GeneDx
Classification: Uncertain significance. Last evaluated: 2026-04-02. Review status: criteria provided, single submitter. Criteria: GeneDx Variant Classification Process June 2021. Collection method: clinical testing. Allele origin: germline.
Comment: Not observed at significant frequency in large population cohorts (gnomAD); In silico analysis suggests that this missense variant does not alter protein structure/function; Has not been previously published as pathogenic or benign to our knowledge

NM_002234.4(KCNA5):c.364G>A (p.Val122Ile)

Gene: KCNA5 (potassium voltage-gated channel subfamily A member 5; plus strand). Cytogenetic location: 12p13.32.
Variant type: single nucleotide variant.
Coding change: c.364G>A on transcript NM_002234.4 (MANE Select); coding-DNA position 364, G replaced by A.
Protein change: p.Val122Ile; replaces valine 122 with isoleucine.
Molecular consequence: missense variant.
Genome position (GRCh38, 1-based): chr12:5,044,511, G>A. VCF-style: chr12-5044511-G-A. GRCh37 (hg19) VCF-style: chr12-5153677-G-A.
Other names: short protein forms V122I.
Identifiers: ClinVar variation 5016773 (VCV005016773.1).